The following is an entry in ClinVar:

NM_000256.3(MYBPC3):c.822-2A>G

Gene: MYBPC3 (myosin binding protein C3; minus strand). Cytogenetic location: 11p11.2.
Variant type: single nucleotide variant.
Coding change: c.822-2A>G on transcript NM_000256.3 (MANE Select); the canonical splice acceptor site of the intron before coding-DNA position 822, A replaced by G.
Molecular consequence: splice acceptor variant.
Genome position (GRCh38, 1-based): chr11:47,347,682, T>C on the plus strand (A>G on the coding strand, the complement: MYBPC3 is on the minus strand). VCF-style: chr11-47347682-T-C. GRCh37 (hg19) VCF-style: chr11-47369233-T-C.
Identifiers: ClinVar variation 4756877 (VCV004756877.1).
Genomic context (GRCh38, chr11:47,347,682, plus strand): 5'-GGTGCAGGTAGGGCCTGGGGCAGGGGTACCTGATCCGCCGACCACCTCCAGCCAGGCTCC[T>C]GTGGGGGTTAGACTCAGTATCCTCACCTGCCTGGGAAGCTTGCTCTCCCCTGCAGCCCCC-3'

ClinVar aggregate classification (germline): Uncertain significance (1 of 4 stars; one submission).

Conditions:
Cardiomyopathy (CMYO). Also called: Cardiomyopathies. Identifiers: Orphanet 167848, MedGen C0878544, MONDO:0004994, HP:0001638. Inheritance: Various modes of inheritance.

Submission:

Color Diagnostics, LLC DBA Color Health
Classification: Uncertain significance for Cardiomyopathy. Last evaluated: 2025-06-09. Review status: criteria provided, single submitter. Criteria: ACMG Guidelines, 2015. Collection method: clinical testing. Allele origin: germline.
Comment: This variant causes an A to G nucleotide substitution at the -2 position of intron 7 of the MYBPC3 gene. Splice site prediction tools predict that this variant may have a significant impact on RNA splicing. To our knowledge, RNA studies have not been reported for this variant. This variant has not been reported in individuals affected with MYBPC3-related disorders in the literature. This variant has not been identified in the general population by the Genome Aggregation Database (gnomAD). The available evidence is insufficient to determine the role of this variant in disease conclusively. Therefore, this variant is classified as a Variant of Uncertain Significance.